The following is an entry in ClinVar:

NM_000057.4(BLM):c.2183C>A (p.Thr728Asn)

Gene: BLM (BLM RecQ like helicase; plus strand). Cytogenetic location: 15q26.1.
Variant type: single nucleotide variant.
Coding change: c.2183C>A on transcript NM_000057.4 (MANE Select); coding-DNA position 2183, C replaced by A.
Protein change: p.Thr728Asn; replaces threonine 728 with asparagine.
Molecular consequence: missense variant.
Genome position (GRCh38, 1-based): chr15:90,765,404, C>A. VCF-style: chr15-90765404-C-A. GRCh37 (hg19) VCF-style: chr15-91308634-C-A.
Other names: c.2183C>A, p.Thr728Asn (NM_001287246.2, NM_001287247.2); c.1058C>A, p.Thr353Asn (NM_001287248.2); short protein forms T728N, T353N.
Identifiers: ClinVar variation 1416482 (VCV001416482.6), dbSNP rs1567043208, ClinGen allele CA393844731.

ClinVar aggregate classification (germline): Uncertain significance (1 of 4 stars; one submission).

Conditions:
Bloom syndrome (BLM). Also called: Bloom-Torre-Machacek syndrome. Identifiers: Orphanet 125, MedGen C0005859, MONDO:0008876, OMIM 210900.

Submission:

Labcorp Genetics (formerly Invitae), Labcorp
Classification: Uncertain significance for Bloom syndrome. Last evaluated: 2021-11-24. Review status: criteria provided, single submitter. Criteria: Invitae Variant Classification Sherloc (09022015). Collection method: clinical testing. Allele origin: germline.
Comment: This sequence change replaces threonine, which is neutral and polar, with asparagine, which is neutral and polar, at codon 728 of the BLM protein (p.Thr728Asn). In summary, the available evidence is currently insufficient to determine the role of this variant in disease. Therefore, it has been classified as a Variant of Uncertain Significance. Algorithms developed to predict the effect of missense changes on protein structure and function (SIFT, PolyPhen-2, Align-GVGD) all suggest that this variant is likely to be tolerated. This variant has not been reported in the literature in individuals affected with BLM-related conditions. This variant is not present in population databases (gnomAD no frequency).